The following is an entry in ClinVar:

NM_014889.4(PITRM1):c.1676C>T (p.Ala559Val)

Gene: PITRM1 (pitrilysin metallopeptidase 1; minus strand). Cytogenetic location: 10p15.2.
Variant type: single nucleotide variant.
Coding change: c.1676C>T on transcript NM_014889.4 (MANE Select); coding-DNA position 1676, C replaced by T.
Protein change: p.Ala559Val; replaces alanine 559 with valine.
Molecular consequence: missense variant. On other transcripts: non-coding transcript variant (4).
Genome position (GRCh38, 1-based): chr10:3,151,309, G>A on the plus strand (C>T on the coding strand, the complement: PITRM1 is on the minus strand). VCF-style: chr10-3151309-G-A. GRCh37 (hg19) VCF-style: chr10-3193501-G-A.
Other names: c.1676C>T, p.Ala559Val (NM_001242307.2, NM_001347725.2); c.1580C>T, p.Ala527Val (NM_001242309.1); c.1061C>T, p.Ala354Val (NM_001347726.2, NM_001347727.2); c.371C>T, p.Ala124Val (NM_001347728.2); c.1652C>T, p.Ala551Val (NM_001347729.1, NM_001347730.1); c.1676C>T (NM_001242307.1); short protein forms A354V, A551V, A124V, A527V, A559V.
Identifiers: ClinVar variation 2178290 (VCV002178290.7), dbSNP rs762984087, ClinGen allele CA5387739.

ClinVar aggregate classification (germline): Uncertain significance. Review status: criteria provided, multiple submitters, no conflicts (2 of 4 stars). 2 submissions from 2 submitters: Uncertain significance (2). Last evaluated 2025-06-30.

Allele frequency attached by ClinVar (database versions not stated): ExAC 0.00002; gnomAD 0.00003; gnomAD exomes 0.00003; TOPMed 0.00003.
gnomAD v4.1: 47 of 1,611,060 alleles (0.0029%); highest among the groups gnomAD compares: East Asian, 0.013%; no homozygotes.

Submissions (2):

Ambry Genetics
Classification: Uncertain significance. Last evaluated: 2025-06-30. Review status: criteria provided, single submitter. Criteria: Ambry Variant Classification Scheme 2023. Collection method: clinical testing. Allele origin: germline.

Labcorp Genetics (formerly Invitae), Labcorp
Classification: Uncertain significance. Last evaluated: 2025-03-18. Review status: criteria provided, single submitter. Criteria: Invitae Variant Classification Sherloc (09022015). Collection method: clinical testing. Allele origin: germline.
Comment: This sequence change replaces alanine, which is neutral and non-polar, with valine, which is neutral and non-polar, at codon 527 of the PITRM1 protein (p.Ala527Val). This variant is present in population databases (rs762984087, gnomAD 0.02%). This variant has not been reported in the literature in individuals affected with PITRM1-related conditions. ClinVar contains an entry for this variant (Variation ID: 2178290). An algorithm developed to predict the effect of missense changes on protein structure and function (PolyPhen-2) suggests that this variant is likely to be disruptive. In summary, the available evidence is currently insufficient to determine the role of this variant in disease. Therefore, it has been classified as a Variant of Uncertain Significance.